The following is an entry in ClinVar:

ClinVar aggregate classification (germline): Uncertain significance (1 of 4 stars; one submission).

Conditions:
Hereditary spastic paraplegia 4. Also called: Spastic paraplegia 4, autosomal dominant; Spastic Paraplegia 4; Familial spastic paraplegia autosomal dominant 2. Identifiers: Orphanet 100985, MedGen C1866855, MONDO:0008438, OMIM 182601.

gnomAD v4.1: 6 of 1,584,560 alleles (0.00038%); highest among the groups gnomAD compares: Non-Finnish European, 0.00051%; no homozygotes.

Submission:

Labcorp Genetics (formerly Invitae), Labcorp
Classification: Uncertain significance for Hereditary spastic paraplegia 4. Last evaluated: 2024-05-23. Review status: criteria provided, single submitter. Criteria: Invitae Variant Classification Sherloc (09022015). Collection method: clinical testing. Allele origin: germline.
Comment: This sequence change replaces proline, which is neutral and non-polar, with arginine, which is basic and polar, at codon 27 of the SPAST protein (p.Pro27Arg). This variant is not present in population databases (gnomAD no frequency). This variant has not been reported in the literature in individuals affected with SPAST-related conditions. Advanced modeling of protein sequence and biophysical properties (such as structural, functional, and spatial information, amino acid conservation, physicochemical variation, residue mobility, and thermodynamic stability) has been performed at Invitae for this missense variant, however the output from this modeling did not meet the statistical confidence thresholds required to predict the impact of this variant on SPAST protein function. In summary, the available evidence is currently insufficient to determine the role of this variant in disease. Therefore, it has been classified as a Variant of Uncertain Significance.

NM_014946.4(SPAST):c.80C>G (p.Pro27Arg)

Gene: SPAST (spastin; plus strand). Cytogenetic location: 2p22.3.
Variant type: single nucleotide variant.
Coding change: c.80C>G on transcript NM_014946.4 (MANE Select); coding-DNA position 80, C replaced by G.
Protein change: p.Pro27Arg; replaces proline 27 with arginine.
Molecular consequence: missense variant.
Genome position (GRCh38, 1-based): chr2:32,063,911, C>G. VCF-style: chr2-32063911-C-G. GRCh37 (hg19) VCF-style: chr2-32288980-C-G.
Other names: c.80C>G, p.Pro27Arg (NM_001363823.2, NM_001363875.2, NM_001377959.1 and 1 more transcripts); short protein forms P27R.
Identifiers: ClinVar variation 3633895 (VCV003633895.2).